The following is an entry in ClinVar:

NM_001089.3(ABCA3):c.2740AAG[1] (p.Lys915del)

Gene: ABCA3 (ATP binding cassette subfamily A member 3; minus strand). Cytogenetic location: 16p13.3.
Variant type: Microsatellite.
Coding change: c.2740AAG[1] on transcript NM_001089.3 (MANE Select); one copy of the 3-base unit AAG starting at c.2740; the reference has two copies in a row; one copy, 3 bases deleted.
Protein change: p.Lys915del; deletes lysine 915.
Molecular consequence: inframe deletion.
Genome position (GRCh38, 1-based): chr16:2,288,285-2,288,287, CTT deleted on the plus strand (AAG on the coding strand, the reverse complement: ABCA3 is on the minus strand); deleting any 3 consecutive bases within chr16:2,288,285-2,288,291 gives the same sequence; the position shown is the placement nearest the transcript's 3' end. VCF-style (leftmost placement, unchanged base first): chr16-2288284-CCTT-C. GRCh37 (hg19) VCF-style: chr16-2338285-CCTT-C.
Other names: short protein forms K915del.
Identifiers: ClinVar variation 1795460 (VCV001795460.2), dbSNP rs1271189317, ClinGen allele CA620708173.
Genomic context (GRCh38, chr16:2,288,284, plus strand): 5'-AGGTCAGAGGCACCAGGACCTGTGCCGCCACCATTTTCCACTCGCGCCAGCTGTATGCGG[CCTT>C]CTTCAGGAACATGGCCCAGAATTGCTGGCAGTGCAGGGCGAGCTGCGGCAGAGGGGACGC-3'

ClinVar aggregate classification (germline): Uncertain significance (1 of 4 stars; one submission).

Conditions:
Hereditary pulmonary alveolar proteinosis. Also called: Pulmonary surfactant metabolism dysfunction. Identifiers: Orphanet 264675, MedGen C3711368, MONDO:0012580.

Submission:

Ambry Genetics
Classification: Uncertain significance for Hereditary pulmonary alveolar proteinosis. Last evaluated: 2019-11-25. Review status: criteria provided, single submitter. Criteria: Ambry Variant Classification Scheme 2023. Collection method: clinical testing. Allele origin: germline.
Comment: The c.2743_2745delAAG variant (also known as p.K915del) is located in coding exon 18 of the ABCA3 gene. This variant results from an in-frame AAG deletion at nucleotide positions 2743 to 2745. This results in the in-frame deletion of a lysine at codon 915. This amino acid position is well conserved in available vertebrate species. In addition, this alteration is predicted to be deleterious by in silico analysis (Choi Y et al. PLoS ONE. 2012; 7(10):e46688). This amino acid position is well conserved in available vertebrate species. Since supporting evidence is limited at this time, the clinical significance of this alteration remains unclear.